The following is an entry in ClinVar:

ClinVar aggregate classification (germline): Conflicting classifications of pathogenicity. Review status: criteria provided, conflicting classifications (1 of 4 stars). 2 submissions from 2 submitters: Uncertain significance (1); Likely benign (1). Last evaluated 2026-08-28.

Conditions:
Hereditary cancer-predisposing syndrome. Also called: Hereditary Cancer Syndrome; Hereditary neoplastic syndrome; Neoplastic Syndromes, Hereditary; Tumor predisposition. Identifiers: Orphanet 140162, MedGen C0027672, MeSH D009386, MONDO:0015356.

Submissions (2):

Ambry Genetics
Classification: Likely benign for Hereditary cancer-predisposing syndrome. Last evaluated: 2026-08-28. Review status: criteria provided, single submitter. Criteria: Ambry Variant Classification Scheme 2023. Collection method: clinical testing. Allele origin: germline.

GeneDx
Classification: Uncertain significance. Last evaluated: 2023-07-31. Review status: criteria provided, single submitter. Criteria: GeneDx Variant Classification Process June 2021. Collection method: clinical testing. Allele origin: germline. Affected: yes.
Comment: Not observed at significant frequency in large population cohorts (gnomAD); In silico analysis supports that this missense variant does not alter protein structure/function; Has not been previously published as pathogenic or benign to our knowledge; This variant is associated with the following publications: (PMID: 15863673)

NM_000455.5(STK11):c.883G>T (p.Ala295Ser)

Gene: STK11 (serine/threonine kinase 11; plus strand). Cytogenetic location: 19p13.3.
Variant type: single nucleotide variant.
Coding change: c.883G>T on transcript NM_000455.5 (MANE Select); coding-DNA position 883, G replaced by T.
Protein change: p.Ala295Ser; replaces alanine 295 with serine.
Molecular consequence: missense variant. On other transcripts: non-coding transcript variant (1).
Genome position (GRCh38, 1-based): chr19:1,221,969, G>T. VCF-style: chr19-1221969-G-T. GRCh37 (hg19) VCF-style: chr19-1221968-G-T.
Other names: c.883G>T, p.Ala295Ser (NM_001407255.1); short protein forms A295S.
Identifiers: ClinVar variation 2452003 (VCV002452003.4), dbSNP rs2145428705, ClinGen allele CA402951217.